The following is an entry in ClinVar:

ClinVar aggregate classification (germline): Benign (0 of 4 stars; one submission).

Conditions:
DGKA-related disorder. Also called: DGKA-related condition.

Allele frequency attached by ClinVar (database versions not stated): gnomAD exomes 0.00094; ExAC 0.00345; gnomAD 0.00980; TOPMed 0.01080; 1000 Genomes Project 0.01138; ESP Exome Variant Server 0.01192; 1000 Genomes Project 30x 0.01249.
gnomAD v4.1: 2,942 of 1,614,130 alleles (0.18%); highest among the groups gnomAD compares: African/African-American, 3.3%; 49 homozygotes.

Submission:

PreventionGenetics, part of Exact Sciences
Classification: Benign for DGKA-related condition. Last evaluated: 2020-01-06. Review status: no assertion criteria provided. Collection method: clinical testing. Allele origin: germline.
Comment: This variant is classified as benign based on ACMG/AMP sequence variant interpretation guidelines (Richards et al. 2015 PMID: 25741868, with internal and published modifications).

NM_001345.5(DGKA):c.609C>T (p.Asp203=)

Gene: DGKA (diacylglycerol kinase alpha; plus strand). Cytogenetic location: 12q13.2.
Variant type: single nucleotide variant.
Coding change: c.609C>T on transcript NM_001345.5 (MANE Select); coding-DNA position 609, C replaced by T.
Protein change: p.Asp203=; no amino-acid change (aspartic acid 203 retained).
Molecular consequence: synonymous variant. On other transcripts: 5 prime UTR variant (3), non-coding transcript variant (2).
Genome position (GRCh38, 1-based): chr12:55,939,429, C>T. VCF-style: chr12-55939429-C-T. GRCh37 (hg19) VCF-style: chr12-56333213-C-T.
Other names: c.609C>T, p.Asp203= (NM_001351033.2, NM_001351034.2, NM_001413596.1 and 8 more transcripts); c.723C>T, p.Asp241= (NM_001351035.1); c.186C>T, p.Asp62= (NM_001351036.2, NM_001351037.1); c.-365C>T (NM_001351038.2, NM_001351039.2, NM_001351040.2); c.585C>T, p.Asp195= (NM_001413599.1, NM_001413600.1, NM_001413601.1).
Identifiers: ClinVar variation 3042241 (VCV003042241.2), dbSNP rs113515918, ClinGen allele CA6619292.
Genomic context (GRCh38, chr12:55,939,429, plus strand): 5'-CCTGTAAGGGCTTTGACACTCCCTAGCATCTACTGTGCCTTCCTAGACTCTGAAGGACGA[C>T]GGACAGCACATGTGGAGGCCCAAGAGGTTCCCCAGACCAGTCTACTGCAATCTGTGCGAG-3'
Protein context (NP_001336.2, residues 193-213): LLGLEMTLKD[Asp203=]GQHMWRPKRF